The following is an entry in ClinVar:

NM_014633.5(CTR9):c.3402G>A (p.Ser1134=)

Gene: CTR9 (CTR9 component of Paf1/RNA polymerase II complex; plus strand). Cytogenetic location: 11p15.4.
Variant type: single nucleotide variant.
Coding change: c.3402G>A on transcript NM_014633.5 (MANE Select); coding-DNA position 3402, G replaced by A.
Protein change: p.Ser1134=; no amino-acid change (serine 1134 retained).
Molecular consequence: synonymous variant.
Genome position (GRCh38, 1-based): chr11:10,778,985, G>A. VCF-style: chr11-10778985-G-A. GRCh37 (hg19) VCF-style: chr11-10800532-G-A.
Other names: c.3402G>A (NM_014633.4); c.3330G>A, p.Ser1110= (NM_001346279.2).
Identifiers: ClinVar variation 1167342 (VCV001167342.34), dbSNP rs147016884, ClinGen allele CA5885580.

ClinVar aggregate classification (germline): Benign/Likely benign. Review status: criteria provided, multiple submitters, no conflicts (2 of 4 stars). 3 submissions from 3 submitters: Benign (1); Likely benign (1). 1 of the submissions does not count toward it. Last evaluated 2025-12-27.

Conditions:
CTR9-related disorder. Also called: CTR9-related condition.

Allele frequency attached by ClinVar (database versions not stated): 1000 Genomes Project 30x 0.00031.
gnomAD v4.1: 1,020 of 1,614,116 alleles (0.063%); highest among the groups gnomAD compares: Non-Finnish European, 0.083%; 1 homozygote.

Submissions (3):

Labcorp Genetics (formerly Invitae), Labcorp
Classification: Benign. Last evaluated: 2025-12-27. Review status: criteria provided, single submitter. Criteria: Invitae Variant Classification Sherloc (09022015). Collection method: clinical testing. Allele origin: germline.

CeGaT Center for Human Genetics Tuebingen
Classification: Likely benign. Last evaluated: 2025-03-01. Review status: criteria provided, single submitter. Criteria: CeGaT Center For Human Genetics Tuebingen Variant Classification Criteria Version 2. Collection method: clinical testing. Allele origin: germline. Affected: yes. Observed: 4 variant alleles.
Comment: CTR9: BP4, BP7

PreventionGenetics, part of Exact Sciences
Classification: Likely benign for CTR9-related condition. Last evaluated: 2022-09-16. Review status: no assertion criteria provided. Collection method: clinical testing. Allele origin: germline. Not counted in ClinVar's aggregate classification.
Comment: This variant is classified as likely benign based on ACMG/AMP sequence variant interpretation guidelines (Richards et al. 2015 PMID: 25741868, with internal and published modifications).